The following is an entry in ClinVar:

ClinVar aggregate classification (germline): Uncertain significance (1 of 4 stars; one submission).

Conditions:
Inborn genetic diseases. Identifiers: MedGen C0950123, MeSH D030342.

Submission:

Ambry Genetics
Classification: Uncertain significance for Inborn genetic diseases. Last evaluated: 2025-07-09. Review status: criteria provided, single submitter. Criteria: Ambry Variant Classification Scheme 2023. Collection method: clinical testing. Allele origin: germline.
Comment: The p.T1161P variant (also known as c.3481A>C), located in coding exon 35 of the FANCA gene, results from an A to C substitution at nucleotide position 3481. The threonine at codon 1161 is replaced by proline, an amino acid with highly similar properties. This amino acid position is conserved. In addition, the in silico prediction for this alteration is inconclusive. Based on the available evidence, the clinical significance of this variant remains unclear.

NM_000135.4(FANCA):c.3481A>C (p.Thr1161Pro)

Gene: FANCA (FA complementation group A; minus strand). Cytogenetic location: 16q24.3.
Variant type: single nucleotide variant.
Coding change: c.3481A>C on transcript NM_000135.4 (MANE Select); coding-DNA position 3481, A replaced by C.
Protein change: p.Thr1161Pro; replaces threonine 1161 with proline.
Molecular consequence: missense variant.
Genome position (GRCh38, 1-based): chr16:89,746,616, T>G on the plus strand (A>C on the coding strand, the complement: FANCA is on the minus strand). VCF-style: chr16-89746616-T-G. GRCh37 (hg19) VCF-style: chr16-89813024-T-G.
Other names: c.3481A>C, p.Thr1161Pro (NM_001286167.3); short protein forms T1161P.
Identifiers: ClinVar variation 4254187 (VCV004254187.1).